The following is an entry in ClinVar:

NM_177438.3(DICER1):c.4352G>C (p.Arg1451Thr)

Gene: DICER1 (dicer 1, ribonuclease III; minus strand). Cytogenetic location: 14q32.13.
Variant type: single nucleotide variant.
Coding change: c.4352G>C on transcript NM_177438.3 (MANE Select); coding-DNA position 4352, G replaced by C.
Protein change: p.Arg1451Thr; replaces arginine 1451 with threonine.
Molecular consequence: missense variant.
Genome position (GRCh38, 1-based): chr14:95,096,568, C>G on the plus strand (G>C on the coding strand, the complement: DICER1 is on the minus strand). VCF-style: chr14-95096568-C-G. GRCh37 (hg19) VCF-style: chr14-95562905-C-G.
Other names: c.4352G>C, p.Arg1451Thr (NM_001195573.1, NM_001271282.3, NM_001291628.2 and 1 more transcripts); short protein forms R1451T.
Identifiers: ClinVar variation 1056894 (VCV001056894.12), dbSNP rs1890362623, ClinGen allele CA390869164.
Genomic context (GRCh38, chr14:95,096,568, plus strand): 5'-GGAGAAAGAGAGATTTTCTTTACAAAAGCTCCTGACCCCATTAACATATTATCTATAAAT[C>G]TGATATGTTCCTGATCATACTCCAGGAAATCATCTTCATAGTCAGCCTCTTCCTTCGGAG-3'
Protein context (NP_803187.1, residues 1441-1461): DFLEYDQEHI[Arg1451Thr]FIDNMLMGSG

ClinVar aggregate classification (germline): Uncertain significance. Review status: criteria provided, multiple submitters, no conflicts (2 of 4 stars). 2 submissions from 2 submitters: Uncertain significance (2). Last evaluated 2022-07-30.

Conditions:
DICER1-related tumor predisposition. Also called: DICER1 syndrome; DICER1-related pleuropulmonary blastoma cancer predisposition syndrome. Identifiers: Orphanet 284343, MedGen C3839822, MONDO:0100216.
Hereditary cancer-predisposing syndrome. Also called: Tumor predisposition; Neoplastic Syndromes, Hereditary; Hereditary Cancer Syndrome; Hereditary neoplastic syndrome. Identifiers: Orphanet 140162, MedGen C0027672, MeSH D009386, MONDO:0015356.

Allele frequency attached by ClinVar (database versions not stated): gnomAD exomes below 0.00001.
gnomAD v4.1: 2 of 1,613,122 alleles (0.00012%); highest among the groups gnomAD compares: Middle Eastern, 0.017%; no homozygotes.

Submissions (2):

Ambry Genetics
Classification: Uncertain significance for Hereditary cancer-predisposing syndrome. Last evaluated: 2022-07-30. Review status: criteria provided, single submitter. Criteria: Ambry Variant Classification Scheme 2023. Collection method: clinical testing. Allele origin: germline.
Comment: The p.R1451T variant (also known as c.4352G>C), located in coding exon 22 of the DICER1 gene, results from a G to C substitution at nucleotide position 4352. The arginine at codon 1451 is replaced by threonine, an amino acid with similar properties. This amino acid position is conserved. In addition, this alteration is predicted to be tolerated by in silico analysis. Since supporting evidence is limited at this time, the clinical significance of this alteration remains unclear.

Labcorp Genetics (formerly Invitae), Labcorp
Classification: Uncertain significance for DICER1-related tumor predisposition. Last evaluated: 2020-01-23. Review status: criteria provided, single submitter. Criteria: Invitae Variant Classification Sherloc (09022015). Collection method: clinical testing. Allele origin: germline.
Comment: This sequence change replaces arginine with threonine at codon 1451 of the DICER1 protein (p.Arg1451Thr). The arginine residue is weakly conserved and there is a moderate physicochemical difference between arginine and threonine. This variant is not present in population databases (ExAC no frequency). This variant has not been reported in the literature in individuals with DICER1-related conditions. Algorithms developed to predict the effect of missense changes on protein structure and function are either unavailable or do not agree on the potential impact of this missense change (SIFT: "Deleterious"; PolyPhen-2: "Benign"; Align-GVGD: "Class C0"). In summary, the available evidence is currently insufficient to determine the role of this variant in disease. Therefore, it has been classified as a Variant of Uncertain Significance.